The following is an entry in ClinVar:

NM_012293.3(PXDN):c.1121C>T (p.Ser374Phe)

Gene: PXDN (peroxidasin; minus strand). Cytogenetic location: 2p25.3.
Variant type: single nucleotide variant.
Coding change: c.1121C>T on transcript NM_012293.3 (MANE Select); coding-DNA position 1121, C replaced by T.
Protein change: p.Ser374Phe; replaces serine 374 with phenylalanine.
Molecular consequence: missense variant.
Genome position (GRCh38, 1-based): chr2:1,666,384, G>A on the plus strand (C>T on the coding strand, the complement: PXDN is on the minus strand). VCF-style: chr2-1666384-G-A. GRCh37 (hg19) VCF-style: chr2-1670156-G-A.
Other names: short protein forms S374F.
Identifiers: ClinVar variation 1220342 (VCV001220342.3), dbSNP rs142336871, ClinGen allele CA1513429.

ClinVar aggregate classification (germline): Uncertain significance (1 of 4 stars; one submission).

Allele frequency attached by ClinVar (database versions not stated): gnomAD exomes 0.00011 and 0.00018; ExAC 0.00020; ESP Exome Variant Server 0.00024; gnomAD 0.00050; TOPMed 0.00051; 1000 Genomes Project 30x 0.00094; 1000 Genomes Project 0.00100.
gnomAD v4.1: 237 of 1,613,840 alleles (0.015%); highest among the groups gnomAD compares: Middle Eastern, 0.26%; 1 homozygote.

Submission:

GeneDx
Classification: Uncertain significance. Last evaluated: 2020-05-28. Review status: criteria provided, single submitter. Criteria: GeneDx Variant Classification Process June 2021. Collection method: clinical testing. Allele origin: germline. Affected: yes.
Comment: In silico analysis, which includes protein predictors and evolutionary conservation, supports a deleterious effect; Has not been previously published as pathogenic or benign to our knowledge